The following is an entry in ClinVar:

NM_001244710.2(GFPT1):c.938A>G (p.Lys313Arg)

Gene: GFPT1 (glutamine--fructose-6-phosphate transaminase 1; minus strand). Cytogenetic location: 2p13.3.
Variant type: single nucleotide variant.
Coding change: c.938A>G on transcript NM_001244710.2 (MANE Select); coding-DNA position 938, A replaced by G.
Protein change: p.Lys313Arg; replaces lysine 313 with arginine.
Molecular consequence: missense variant.
Genome position (GRCh38, 1-based): chr2:69,348,242, T>C on the plus strand (A>G on the coding strand, the complement: GFPT1 is on the minus strand). VCF-style: chr2-69348242-T-C. GRCh37 (hg19) VCF-style: chr2-69575374-T-C.
Other names: c.884A>G, p.Lys295Arg (NM_002056.4); short protein forms K295R, K313R.
Identifiers: ClinVar variation 1939197 (VCV001939197.5), dbSNP rs980858770, ClinGen allele CA49519398.
Genomic context (GRCh38, chr2:69,348,242, plus strand): 5'-TGCTGGAGTTCCATCTGGAGTGTTTGCACAGCTCGTCCGGGGTGATCTCCTGCAGTTCGT[T>C]TAATTCGATGGATAGAAAGACGTCCATCCACTACTGCTGCAACATCATCATCTTCCAGAA-3'
Protein context (NP_001231639.1, residues 303-323): VDGRLSIHRI[Lys313Arg]RTAGDHPGRA

ClinVar aggregate classification (germline): Uncertain significance (1 of 4 stars; one submission).

Conditions:
Congenital myasthenic syndrome 12 (CMS12). Also called: MYASTHENIC SYNDROME, CONGENITAL, WITH TUBULAR AGGREGATES 1; Myasthenia, congenital, 12, with tubular aggregates. Identifiers: Orphanet 353327, Orphanet 590, MedGen C3552335, MONDO:0012518, OMIM 610542.

Allele frequency attached by ClinVar (database versions not stated): gnomAD exomes below 0.00001.
gnomAD v4.1: 1 of 1,613,470 alleles (0.000062%); highest among the groups gnomAD compares: Admixed American, 0.0017%; no homozygotes.

Submission:

Labcorp Genetics (formerly Invitae), Labcorp
Classification: Uncertain significance for Congenital myasthenic syndrome 12. Last evaluated: 2022-08-20. Review status: criteria provided, single submitter. Criteria: Invitae Variant Classification Sherloc (09022015). Collection method: clinical testing. Allele origin: germline.
Comment: In summary, the available evidence is currently insufficient to determine the role of this variant in disease. Therefore, it has been classified as a Variant of Uncertain Significance. Algorithms developed to predict the effect of missense changes on protein structure and function (SIFT, PolyPhen-2, Align-GVGD) all suggest that this variant is likely to be tolerated. This variant has not been reported in the literature in individuals affected with GFPT1-related conditions. This variant is present in population databases (no rsID available, gnomAD 0.003%). This sequence change replaces lysine, which is basic and polar, with arginine, which is basic and polar, at codon 313 of the GFPT1 protein (p.Lys313Arg).